The following is an entry in ClinVar:

NM_001369.3(DNAH5):c.4747G>A (p.Ala1583Thr)

Genes: DNAH5 (dynein axonemal heavy chain 5; minus strand), DNAH5-AS1 (DNAH5 antisense RNA 1; plus strand). Cytogenetic location: 5p15.2.
Variant type: single nucleotide variant.
Coding change: c.4747G>A on transcript NM_001369.3 (MANE Select); coding-DNA position 4747, G replaced by A.
Protein change: p.Ala1583Thr; replaces alanine 1583 with threonine.
Molecular consequence: missense variant.
Genome position (GRCh38, 1-based): chr5:13,862,597, C>T on the plus strand (G>A on the coding strand, the complement: DNAH5 is on the minus strand). VCF-style: chr5-13862597-C-T. GRCh37 (hg19) VCF-style: chr5-13862706-C-T.
Other names: short protein forms A1583T.
Identifiers: ClinVar variation 1048956 (VCV001048956.4), dbSNP rs374072143, ClinGen allele CA113973108.

ClinVar aggregate classification (germline): Uncertain significance. Review status: criteria provided, multiple submitters, no conflicts (2 of 4 stars). 3 submissions from 3 submitters: Uncertain significance (2). 1 of the submissions does not count toward it. Last evaluated 2022-04-29.

Conditions:
Primary ciliary dyskinesia. Also called: Ciliary dyskinesia. Identifiers: Orphanet 244, MedGen C0008780, MONDO:0016575, HP:0012265.

Allele frequency attached by ClinVar (database versions not stated): gnomAD exomes below 0.00001 and 0.00002; gnomAD 0.00001; TOPMed 0.00003; ESP Exome Variant Server 0.00015.
gnomAD v4.1: 33 of 1,613,776 alleles (0.002%); highest among the groups gnomAD compares: African/African-American, 0.0053%; no homozygotes.

Submissions (3):

Labcorp Genetics (formerly Invitae), Labcorp
Classification: Uncertain significance for Primary ciliary dyskinesia. Last evaluated: 2022-04-29. Review status: criteria provided, single submitter. Criteria: Invitae Variant Classification Sherloc (09022015). Collection method: clinical testing. Allele origin: germline.
Comment: This sequence change replaces alanine, which is neutral and non-polar, with threonine, which is neutral and polar, at codon 1583 of the DNAH5 protein (p.Ala1583Thr). This variant is present in population databases (rs374072143, gnomAD 0.004%). This variant has not been reported in the literature in individuals affected with DNAH5-related conditions. ClinVar contains an entry for this variant (Variation ID: 1048956). Advanced modeling of protein sequence and biophysical properties (such as structural, functional, and spatial information, amino acid conservation, physicochemical variation, residue mobility, and thermodynamic stability) performed at Invitae indicates that this missense variant is not expected to disrupt DNAH5 protein function. In summary, the available evidence is currently insufficient to determine the role of this variant in disease. Therefore, it has been classified as a Variant of Uncertain Significance.

Breakthrough Genomics
Classification: Uncertain significance. Review status: criteria provided, single submitter. Criteria: ACMG Guidelines, 2015. Collection method: not provided. Allele origin: germline. Inheritance: Autosomal recessive inheritance. Affected: yes.

Department of Pathology and Laboratory Medicine, Sinai Health System
Classification: Uncertain significance. Review status: no assertion criteria provided. Collection method: clinical testing. Allele origin: unknown. Affected: yes. Study: The Canadian Open Genetics Repository (COGR). Not counted in ClinVar's aggregate classification.
Comment: The DNAH5 p.Ala1583Thr variant was not identified in the literature nor was it identified in ClinVar. The variant was identified in dbSNP (ID: rs374072143) and LOVD 3.0 (variant effect not shared). The variant was identified in control databases in 2 of 282694 chromosomes at a frequency of 0.000007075 (Genome Aggregation Database March 6, 2019, v2.1.1). The variant was observed in the following populations: Other in 1 of 7208 chromosomes (freq: 0.000139) and African in 1 of 24964 chromosomes (freq: 0.00004), but was not observed in the Latino, Ashkenazi Jewish, East Asian, European (Finnish), European (non-Finnish), or South Asian populations. The p.Ala1583 residue is not conserved in mammals and four out of five computational analyses (PolyPhen-2, SIFT, AlignGVGD, BLOSUM, MutationTaster) do not suggest a high likelihood of impact to the protein; however, this information is not predictive enough to rule out pathogenicity. The variant occurs outside of the splicing consensus sequence and in silico or computational prediction software programs (SpliceSiteFinder, MaxEntScan, NNSPLICE, GeneSplicer) do not predict a difference in splicing. In summary, based on the above information the clinical significance of this variant cannot be determined with certainty at this time. This variant is classified as a variant of uncertain significance.